The following is an entry in ClinVar:

ClinVar aggregate classification (germline): Uncertain significance (1 of 4 stars; one submission).

Conditions:
Cystic fibrosis (CF). Also called: MUCOVISCIDOSIS. Identifiers: Orphanet 586, MedGen C0010674, MONDO:0009061, OMIM 219700. Disease mechanism: loss of function.

Allele frequency attached by ClinVar (database versions not stated): gnomAD exomes below 0.00001.
gnomAD v4.1: 1 of 1,614,050 alleles (0.000062%); highest among the groups gnomAD compares: Non-Finnish European, 0.000085%; no homozygotes.

Submission:

Ambry Genetics
Classification: Uncertain significance for Cystic fibrosis. Last evaluated: 2024-01-11. Review status: criteria provided, single submitter. Criteria: Ambry Variant Classification Scheme 2023. Collection method: clinical testing. Allele origin: germline.
Comment: The p.C1458Y variant (also known as c.4373G>A), located in coding exon 27 of the CFTR gene, results from a G to A substitution at nucleotide position 4373. The cysteine at codon 1458 is replaced by tyrosine, an amino acid with highly dissimilar properties. This amino acid position is conserved. In addition, this alteration is predicted to be tolerated by in silico analysis. Since supporting evidence is limited at this time, the clinical significance of this alteration remains unclear.

NM_000492.4(CFTR):c.4373G>A (p.Cys1458Tyr)

Genes: CFTR (CF transmembrane conductance regulator; plus strand), LOC111674477 (CFTR intron 23 enhancer; plus strand). Cytogenetic location: 7q31.2.
Variant type: single nucleotide variant.
Coding change: c.4373G>A on transcript NM_000492.4 (MANE Select); coding-DNA position 4373, G replaced by A.
Protein change: p.Cys1458Tyr; replaces cysteine 1458 with tyrosine.
Molecular consequence: missense variant.
Genome position (GRCh38, 1-based): chr7:117,667,038, G>A. VCF-style: chr7-117667038-G-A. GRCh37 (hg19) VCF-style: chr7-117307092-G-A.
Other names: short protein forms C1458Y.
Identifiers: ClinVar variation 3231921 (VCV003231921.1), dbSNP rs2485185843, ClinGen allele CA368985171.